The following is an entry in ClinVar:

NM_001046.3(SLC12A2):c.362A>T (p.Glu121Val)

Gene: SLC12A2 (solute carrier family 12 member 2; plus strand). Cytogenetic location: 5q23.3.
Variant type: single nucleotide variant.
Coding change: c.362A>T on transcript NM_001046.3 (MANE Select); coding-DNA position 362, A replaced by T.
Protein change: p.Glu121Val; replaces glutamic acid 121 with valine.
Molecular consequence: missense variant. On other transcripts: non-coding transcript variant (1).
Genome position (GRCh38, 1-based): chr5:128,084,316, A>T. VCF-style: chr5-128084316-A-T. GRCh37 (hg19) VCF-style: chr5-127420008-A-T.
Other names: c.362A>T (NM_001046.2); c.362A>T, p.Glu121Val (NM_001256461.2); short protein forms E121V.
Identifiers: ClinVar variation 2066020 (VCV002066020.6), dbSNP rs1244101825, ClinGen allele CA360736337.

ClinVar aggregate classification (germline): Uncertain significance. Review status: criteria provided, multiple submitters, no conflicts (2 of 4 stars). 3 submissions from 3 submitters: Uncertain significance (3). Last evaluated 2025-11-01.

Conditions:
SLC12A2-related disorder. Also called: SLC12A2-related disorders; SLC12A2-related condition.
Inborn genetic diseases. Identifiers: MedGen C0950123, MeSH D030342.

Allele frequency attached by ClinVar (database versions not stated): gnomAD 0.00003; TOPMed 0.00003.

Submissions (3):

PreventionGenetics, part of Exact Sciences
Classification: Uncertain significance for SLC12A2-related condition. Last evaluated: 2025-11-01. Review status: criteria provided, single submitter. Criteria: ACMG Guidelines, 2015. Collection method: clinical testing. Allele origin: germline.
Comment: The SLC12A2 c.362A>T variant is predicted to result in the amino acid substitution p.Glu121Val. To our knowledge, this variant has not been reported in the literature. This variant is reported in 0.0048% of alleles in individuals of European (Non-Finnish) descent in gnomAD. At this time, the clinical significance of this variant is uncertain due to the absence of conclusive functional and genetic evidence.

Ambry Genetics
Classification: Uncertain significance for Inborn genetic diseases. Last evaluated: 2025-08-05. Review status: criteria provided, single submitter. Criteria: Ambry Variant Classification Scheme 2023. Collection method: clinical testing. Allele origin: germline.

Labcorp Genetics (formerly Invitae), Labcorp
Classification: Uncertain significance. Last evaluated: 2022-07-12. Review status: criteria provided, single submitter. Criteria: Invitae Variant Classification Sherloc (09022015). Collection method: clinical testing. Allele origin: germline.
Comment: In summary, the available evidence is currently insufficient to determine the role of this variant in disease. Therefore, it has been classified as a Variant of Uncertain Significance. Advanced modeling of protein sequence and biophysical properties (such as structural, functional, and spatial information, amino acid conservation, physicochemical variation, residue mobility, and thermodynamic stability) performed at Invitae indicates that this missense variant is not expected to disrupt SLC12A2 protein function. This variant has not been reported in the literature in individuals affected with SLC12A2-related conditions. This variant is present in population databases (no rsID available, gnomAD 0.003%). This sequence change replaces glutamic acid, which is acidic and polar, with valine, which is neutral and non-polar, at codon 121 of the SLC12A2 protein (p.Glu121Val).